The following is an entry in ClinVar:

ClinVar aggregate classification (germline): Uncertain significance. Review status: criteria provided, multiple submitters, no conflicts (2 of 4 stars). 9 submissions from 9 submitters: Uncertain significance (9). Last evaluated 2026-02-17.

Conditions:
AARS1-related disorder. Also called: AARS1-related condition.
Charcot-Marie-Tooth disease type 2. Also called: Charcot-Marie-Tooth type 2. Identifiers: Orphanet 64746, MedGen C0270914, MONDO:0018993.
Inborn genetic diseases. Identifiers: MedGen C0950123, MeSH D030342.
Charcot-Marie-Tooth disease. Also called: Charcot-Marie-Tooth Neuropathy; Charcot-Marie-Tooth Hereditary Neuropathy. Identifiers: Orphanet 166, MedGen C0007959, MONDO:0015626.

Allele frequency attached by ClinVar (database versions not stated): ESP Exome Variant Server 0.00008; TOPMed 0.00009; gnomAD 0.00010; gnomAD exomes 0.00017; ExAC 0.00021.
gnomAD v4.1: 253 of 1,614,016 alleles (0.016%); highest among the groups gnomAD compares: Non-Finnish European, 0.018%; no homozygotes.

Submissions (9):

Women's Health and Genetics/Laboratory Corporation of America, LabCorp
Classification: Uncertain significance. Last evaluated: 2026-02-17. Review status: criteria provided, single submitter. Criteria: LabCorp Variant Classification Summary - May 2015. Collection method: clinical testing. Allele origin: germline.
Comment: Variant summary: AARS1 c.1811A>G (p.Asn604Ser) results in a conservative amino acid change in the encoded protein sequence. Algorithms developed to predict the effect of missense changes on protein structure and function are either unavailable or do not agree on the potential impact of this missense change. The variant was absent in 282854 control chromosomes (gnomAD). The available data on variant occurrences in the general population are insufficient to allow any conclusion about variant significance. c.1811A>G has been reported in the literature in one unspecified individual affected with Charcot-Marie-Tooth disease, without strong evidence for causality (Volodarsky_2021). The report does not provide unequivocal conclusions about association of the variant with Developmental and epileptic encephalopathy, 29. To our knowledge, no experimental evidence demonstrating an impact on protein function has been reported. The following publication have been ascertained in the context of this evaluation (PMID: 32376792). ClinVar contains an entry for this variant (Variation ID: 543167). Based on the evidence outlined above, the variant was classified as uncertain significance.

Labcorp Genetics (formerly Invitae), Labcorp
Classification: Uncertain significance for Charcot-Marie-Tooth disease type 2. Last evaluated: 2026-01-27. Review status: criteria provided, single submitter. Criteria: Invitae Variant Classification Sherloc (09022015). Collection method: clinical testing. Allele origin: germline.
Comment: This sequence change replaces asparagine, which is neutral and polar, with serine, which is neutral and polar, at codon 604 of the AARS protein (p.Asn604Ser). This variant is present in population databases (rs371595630, gnomAD 0.03%). This missense change has been observed in individual(s) with clinical features of Charcot-Marie-Tooth disease (PMID: 32376792). ClinVar contains an entry for this variant (Variation ID: 543167). Invitae Evidence Modeling of protein sequence and biophysical properties (such as structural, functional, and spatial information, amino acid conservation, physicochemical variation, residue mobility, and thermodynamic stability) has been performed for this missense variant. However, the output from this modeling did not meet the statistical confidence thresholds required to predict the impact of this variant on AARS protein function. In summary, the available evidence is currently insufficient to determine the role of this variant in disease. Therefore, it has been classified as a Variant of Uncertain Significance.

GeneDx
Classification: Uncertain significance. Last evaluated: 2026-01-06. Review status: criteria provided, single submitter. Criteria: GeneDx Variant Classification Process June 2021. Collection method: clinical testing. Allele origin: germline.
Comment: In silico analysis supports that this missense variant has a deleterious effect on protein structure/function; This variant is associated with the following publications: (PMID: 25817015, 32376792)

PreventionGenetics, part of Exact Sciences
Classification: Uncertain significance for AARS1-related condition. Last evaluated: 2025-12-08. Review status: criteria provided, single submitter. Criteria: ACMG Guidelines, 2015. Collection method: clinical testing. Allele origin: germline.
Comment: The AARS1 c.1811A>G variant is predicted to result in the amino acid substitution p.Asn604Ser. This variant was reported as a variant of uncertain significance in a large cohort study in patients with Charcot-Marie-Tooth disease (Volodarsky et al 2021. PubMed ID: 32376792). This variant is reported in 0.036% of alleles in individuals of European (Finnish) descent in gnomAD and indicates this variant is likely too common for an autosomal dominant disorder. At this time, the clinical significance of this variant is uncertain due to the absence of conclusive functional and genetic evidence.

Ambry Genetics
Classification: Uncertain significance for Inborn genetic diseases. Last evaluated: 2025-08-06. Review status: criteria provided, single submitter. Criteria: Ambry Variant Classification Scheme 2023. Collection method: clinical testing. Allele origin: germline.

Mayo Clinic Laboratories, Mayo Clinic
Classification: Uncertain significance. Last evaluated: 2024-05-31. Review status: criteria provided, single submitter. Criteria: ACMG Guidelines, 2015. Collection method: clinical testing. Allele origin: germline. Observed: 4 variant alleles.

Blueprint Genetics
Classification: Uncertain significance. Last evaluated: 2023-04-27. Review status: criteria provided, single submitter. Criteria: ACMG Guidelines, 2015. Collection method: clinical testing. Allele origin: germline.

CeGaT Center for Human Genetics Tuebingen
Classification: Uncertain significance. Last evaluated: 2018-12-01. Review status: criteria provided, single submitter. Criteria: CeGaT Center For Human Genetics Tuebingen Variant Classification Criteria Version 2. Collection method: clinical testing. Allele origin: germline. Affected: yes. Observed: 2 variant alleles.

Molecular Genetics Laboratory, London Health Sciences Centre
Classification: Uncertain significance for Charcot-Marie-Tooth disease. Review status: criteria provided, single submitter. Criteria: ACMG Guidelines, 2015. Collection method: clinical testing. Allele origin: germline. Affected: yes.

Literature cited by the submitters: PubMed 32376792 (cited by 3 submitters).

NM_001605.3(AARS1):c.1811A>G (p.Asn604Ser)

Gene: AARS1 (alanyl-tRNA synthetase 1; minus strand). Cytogenetic location: 16q22.1.
Variant type: single nucleotide variant.
Coding change: c.1811A>G on transcript NM_001605.3 (MANE Select); coding-DNA position 1811, A replaced by G.
Protein change: p.Asn604Ser; replaces asparagine 604 with serine.
Molecular consequence: missense variant.
Genome position (GRCh38, 1-based): chr16:70,259,161, T>C on the plus strand (A>G on the coding strand, the complement: AARS1 is on the minus strand). VCF-style: chr16-70259161-T-C. GRCh37 (hg19) VCF-style: chr16-70293064-T-C.
Other names: p.Asn604Ser; short protein forms N604S.
Identifiers: ClinVar variation 543167 (VCV000543167.62), dbSNP rs371595630, ClinGen allele CA8140655.
Genomic context (GRCh38, chr16:70,259,161, plus strand): 5'-TGGTCAGCTTCCCCAAGCACTGAGCGCAGGGCGAAGTTCAGAATGTGCGTAGCTGTGTGG[T>C]TGCTCATGATGGGTCTTCGTCGGGGCTGGAAAGGGCAGAGGGGCTCATGGAGAGGTCTGT-3'
Protein context (NP_001596.2, residues 594-614): DEPRRRPIMS[Asn604Ser]HTATHILNFA